The following is an entry in ClinVar:

ClinVar aggregate classification (germline): Likely benign. Review status: criteria provided, multiple submitters, no conflicts (2 of 4 stars). 3 submissions from 3 submitters: Likely benign (2). 1 of the submissions does not count toward it. Last evaluated 2026-02-01.

Conditions:
TCTN2-related disorder. Also called: TCTN2-related condition; TCTN2-related disorders. Identifiers: MedGen CN239412.
Meckel syndrome, type 8. Identifiers: Orphanet 564, MedGen C3836857, MONDO:0013482, OMIM 613885.
Joubert syndrome 24 (JBTS24). Identifiers: Orphanet 475, MedGen C4084841, MONDO:0014724, OMIM 616654.
Joubert syndrome. Also called: Familial aplasia of the vermis; JOUBERT-BOLTSHAUSER SYNDROME. Identifiers: Orphanet 475, MedGen C5979921, MONDO:0018772.
Meckel-Gruber syndrome. Also called: DYSENCEPHALIA SPLANCHNOCYSTICA; GRUBER SYNDROME; Dysencephalia splachnocystica. Identifiers: Orphanet 564, MedGen C0265215, MONDO:0018921.

Allele frequency attached by ClinVar (database versions not stated): gnomAD 0.00003; gnomAD exomes 0.00003 and 0.00015; TOPMed 0.00006; ExAC 0.00012.
gnomAD v4.1: 51 of 1,613,682 alleles (0.0032%); highest among the groups gnomAD compares: Admixed American, 0.085%; 1 homozygote.

Submissions (3):

Labcorp Genetics (formerly Invitae), Labcorp
Classification: Likely benign for Joubert syndrome; Meckel-Gruber syndrome. Last evaluated: 2026-02-01. Review status: criteria provided, single submitter. Criteria: Invitae Variant Classification Sherloc (09022015). Collection method: clinical testing. Allele origin: germline.

Fulgent Genetics
Classification: Likely benign for Meckel syndrome, type 8; Joubert syndrome 24. Last evaluated: 2024-05-14. Review status: criteria provided, single submitter. Criteria: ACMG Guidelines, 2015. Collection method: clinical testing. Allele origin: germline.

PreventionGenetics, part of Exact Sciences
Classification: Likely benign for TCTN2-related condition. Last evaluated: 2022-10-19. Review status: no assertion criteria provided. Collection method: clinical testing. Allele origin: germline. Not counted in ClinVar's aggregate classification.
Comment: This variant is classified as likely benign based on ACMG/AMP sequence variant interpretation guidelines (Richards et al. 2015 PMID: 25741868, with internal and published modifications).

NM_024809.5(TCTN2):c.83-9C>G

Gene: TCTN2 (tectonic family member 2; plus strand). Cytogenetic location: 12q24.31.
Variant type: single nucleotide variant.
Coding change: c.83-9C>G on transcript NM_024809.5 (MANE Select); 9 bases into the intron before coding-DNA position 83, C replaced by G.
Molecular consequence: intron variant.
Genome position (GRCh38, 1-based): chr12:123,671,498, C>G. VCF-style: chr12-123671498-C-G. GRCh37 (hg19) VCF-style: chr12-124156045-C-G.
Other names: c.83-9C>G (NM_001143850.3).
Identifiers: ClinVar variation 695476 (VCV000695476.14), dbSNP rs775671051, ClinGen allele CA6860778.